The following is an entry in ClinVar:

ClinVar aggregate classification (germline): Likely benign (1 of 4 stars; one submission).

Conditions:
VMA22-related condition.

gnomAD v4.1: 9 of 1,605,216 alleles (0.00056%); highest among the groups gnomAD compares: African/African-American, 0.0067%; no homozygotes.

Submission:

PreventionGenetics, part of Exact Sciences
Classification: Likely benign for VMA22-related condition. Last evaluated: 2026-06-05. Review status: criteria provided, single submitter. Criteria: ACMG Guidelines, 2015. Collection method: clinical testing. Allele origin: germline.
Comment: This variant is classified as likely benign based on ACMG/AMP sequence variant interpretation guidelines (Richards et al. 2015 PMID: 25741868, with internal and published modifications).

NM_001321118.1(VMA22):c.60G>A (p.Arg20=)

Genes: VMA22 (vacuolar ATPase assembly factor VMA22; minus strand), LOC129934769 (ATAC-STARR-seq lymphoblastoid active region 16526; plus strand). Cytogenetic location: 2q21.1.
Variant type: single nucleotide variant.
Coding change: c.60G>A on transcript NM_001321118.1; coding-DNA position 60, G replaced by A.
Protein change: p.Arg20=; no amino-acid change (arginine 20 retained).
Molecular consequence: synonymous variant. On other transcripts: non-coding transcript variant (1).
Genome position (GRCh38, 1-based): chr2:130,342,170, C>T on the plus strand (G>A on the coding strand, the complement: VMA22 is on the minus strand). VCF-style: chr2-130342170-C-T. GRCh37 (hg19) VCF-style: chr2-131099743-C-T.
Identifiers: ClinVar variation 4978622 (VCV004978622.1).